The following is an entry in ClinVar:

ClinVar aggregate classification (germline): Uncertain significance (1 of 4 stars; one submission).

Conditions:
Autosomal dominant limb-girdle muscular dystrophy type 1F (LGMDD2). Also called: Limb-girdle muscular dystrophy, type 1F; MUSCULAR DYSTROPHY, LIMB-GIRDLE, AUTOSOMAL DOMINANT 2. Identifiers: Orphanet 55595, MedGen C1842062, MONDO:0012034, OMIM 608423.

Submission:

Labcorp Genetics (formerly Invitae), Labcorp
Classification: Uncertain significance for Autosomal dominant limb-girdle muscular dystrophy type 1F. Last evaluated: 2022-03-19. Review status: criteria provided, single submitter. Criteria: Invitae Variant Classification Sherloc (09022015). Collection method: clinical testing. Allele origin: germline.
Comment: This variant has not been reported in the literature in individuals affected with TNPO3-related conditions. In summary, the available evidence is currently insufficient to determine the role of this variant in disease. Therefore, it has been classified as a Variant of Uncertain Significance. Algorithms developed to predict the effect of missense changes on protein structure and function are either unavailable or do not agree on the potential impact of this missense change (SIFT: "Tolerated"; PolyPhen-2: "Probably Damaging"; Align-GVGD: "Class C0"). This variant is not present in population databases (gnomAD no frequency). This sequence change replaces glycine, which is neutral and non-polar, with alanine, which is neutral and non-polar, at codon 830 of the TNPO3 protein (p.Gly830Ala).

NM_012470.4(TNPO3):c.2489G>C (p.Gly830Ala)

Gene: TNPO3 (transportin 3; minus strand). Cytogenetic location: 7q32.1.
Variant type: single nucleotide variant.
Coding change: c.2489G>C on transcript NM_012470.4 (MANE Select); coding-DNA position 2489, G replaced by C.
Protein change: p.Gly830Ala; replaces glycine 830 with alanine.
Molecular consequence: missense variant. On other transcripts: non-coding transcript variant (18).
Genome position (GRCh38, 1-based): chr7:128,970,257, C>G on the plus strand (G>C on the coding strand, the complement: TNPO3 is on the minus strand). VCF-style: chr7-128970257-C-G. GRCh37 (hg19) VCF-style: chr7-128610311-C-G.
Other names: c.2297G>C, p.Gly766Ala (NM_001191028.3, NM_001382223.1); c.2591G>C, p.Gly864Ala (NM_001382216.1); c.2570G>C, p.Gly857Ala (NM_001382217.1); c.2489G>C, p.Gly830Ala (NM_001382218.1); c.2381G>C, p.Gly794Ala (NM_001382219.1); c.2348G>C, p.Gly783Ala (NM_001382220.1); c.2345G>C, p.Gly782Ala (NM_001382221.1); c.2342G>C, p.Gly781Ala (NM_001382222.1); short protein forms G781A, G782A, G783A, G857A, G766A, G830A, G864A, G794A.
Identifiers: ClinVar variation 2114701 (VCV002114701.4), dbSNP rs2535922970, ClinGen allele CA369252084.